The following is an entry in ClinVar:

ClinVar aggregate classification (germline): Likely benign. Review status: criteria provided, multiple submitters, no conflicts (2 of 4 stars). 2 submissions from 2 submitters: Likely benign (2). Last evaluated 2025-02-04.

Conditions:
Autosomal recessive limb-girdle muscular dystrophy type 2P. Also called: Limb-Girdle Muscular Dystrophy Type 9C; MUSCULAR DYSTROPHY-DYSTROGLYCANOPATHY, LIMB-GIRDLE, DAG1-RELATED; MUSCULAR DYSTROPHY, LIMB-GIRDLE, TYPE 2P. Identifiers: Orphanet 280333, MedGen C4511963, MONDO:0013440, OMIM 613818.
Muscular dystrophy-dystroglycanopathy (congenital with brain and eye anomalies), type A9. Also called: WALKER-WARBURG SYNDROME OR MUSCLE-EYE BRAIN DISEASE, DAG1-RELATED; Muscular dystrophy-dystroglycanopathy (congenital with brain and eye anomalies), type a, 9. Identifiers: Orphanet 370997, Orphanet 899, MedGen C4225291, MONDO:0014683, OMIM 616538.

Allele frequency attached by ClinVar (database versions not stated): ExAC 0.00001; gnomAD 0.00003; TOPMed 0.00005; ESP Exome Variant Server 0.00008; 1000 Genomes Project 30x 0.00016; 1000 Genomes Project 0.00020.
gnomAD v4.1: 31 of 1,614,194 alleles (0.0019%); highest among the groups gnomAD compares: Middle Eastern, 0.033%; no homozygotes.

Submissions (2):

Labcorp Genetics (formerly Invitae), Labcorp
Classification: Likely benign for Autosomal recessive limb-girdle muscular dystrophy type 2P; Muscular dystrophy-dystroglycanopathy (congenital with brain and eye anomalies), type A9. Last evaluated: 2025-02-04. Review status: criteria provided, single submitter. Criteria: Invitae Variant Classification Sherloc (09022015). Collection method: clinical testing. Allele origin: germline.

GeneDx
Classification: Likely benign. Last evaluated: 2017-04-11. Review status: criteria provided, single submitter. Criteria: GeneDx Variant Classification (06012015). Collection method: clinical testing. Allele origin: germline. Affected: yes.
Comment: This variant is considered likely benign or benign based on one or more of the following criteria: it is a conservative change, it occurs at a poorly conserved position in the protein, it is predicted to be benign by multiple in silico algorithms, and/or has population frequency not consistent with disease.

NM_004393.6(DAG1):c.213G>A (p.Thr71=)

Gene: DAG1 (dystroglycan 1; plus strand). Cytogenetic location: 3p21.31.
Variant type: single nucleotide variant.
Coding change: c.213G>A on transcript NM_004393.6 (MANE Select); coding-DNA position 213, G replaced by A.
Protein change: p.Thr71=; no amino-acid change (threonine 71 retained).
Molecular consequence: synonymous variant.
Genome position (GRCh38, 1-based): chr3:49,510,747, G>A. VCF-style: chr3-49510747-G-A. GRCh37 (hg19) VCF-style: chr3-49548180-G-A.
Other names: c.213G>A, p.Thr71= (NM_001165928.4, NM_001177634.3, NM_001177635.3 and 9 more transcripts).
Identifiers: ClinVar variation 508690 (VCV000508690.8), dbSNP rs148703095, ClinGen allele CA2398845.